The following is an entry in ClinVar:

NM_020693.4(DSCAML1):c.4975A>G (p.Ile1659Val)

Gene: DSCAML1 (DS cell adhesion molecule like 1; minus strand). Cytogenetic location: 11q23.3.
Variant type: single nucleotide variant.
Coding change: c.4975A>G on transcript NM_020693.4 (MANE Select); coding-DNA position 4975, A replaced by G.
Protein change: p.Ile1659Val; replaces isoleucine 1659 with valine.
Molecular consequence: missense variant.
Genome position (GRCh38, 1-based): chr11:117,433,189, T>C on the plus strand (A>G on the coding strand, the complement: DSCAML1 is on the minus strand). VCF-style: chr11-117433189-T-C. GRCh37 (hg19) VCF-style: chr11-117303905-T-C.
Other names: short protein forms I1659V.
Identifiers: ClinVar variation 2125514 (VCV002125514.4), dbSNP rs778927715, ClinGen allele CA6296204.

ClinVar aggregate classification (germline): Uncertain significance (1 of 4 stars; one submission).

Allele frequency attached by ClinVar (database versions not stated): gnomAD exomes below 0.00001; ExAC 0.00001.
gnomAD v4.1: 1 of 1,614,138 alleles (0.000062%); highest among the groups gnomAD compares: East Asian, 0.0022%; no homozygotes.

Submission:

Labcorp Genetics (formerly Invitae), Labcorp
Classification: Uncertain significance. Last evaluated: 2025-01-06. Review status: criteria provided, single submitter. Criteria: Invitae Variant Classification Sherloc (09022015). Collection method: clinical testing. Allele origin: germline.
Comment: This sequence change replaces isoleucine, which is neutral and non-polar, with valine, which is neutral and non-polar, at codon 1719 of the DSCAML1 protein (p.Ile1719Val). This variant is not present in population databases (gnomAD no frequency). This variant has not been reported in the literature in individuals affected with DSCAML1-related conditions. ClinVar contains an entry for this variant (Variation ID: 2125514). An algorithm developed to predict the effect of missense changes on protein structure and function (PolyPhen-2) suggests that this variant is likely to be disruptive. In summary, the available evidence is currently insufficient to determine the role of this variant in disease. Therefore, it has been classified as a Variant of Uncertain Significance.